The following is an entry in ClinVar:

NM_031220.4(PITPNM3):c.243G>A (p.Pro81=)

Gene: PITPNM3 (PITPNM family member 3; minus strand). Cytogenetic location: 17p13.1.
Variant type: single nucleotide variant.
Coding change: c.243G>A on transcript NM_031220.4 (MANE Select); coding-DNA position 243, G replaced by A.
Protein change: p.Pro81=; no amino-acid change (proline 81 retained).
Molecular consequence: synonymous variant.
Genome position (GRCh38, 1-based): chr17:6,503,558, C>T on the plus strand (G>A on the coding strand, the complement: PITPNM3 is on the minus strand). VCF-style: chr17-6503558-C-T. GRCh37 (hg19) VCF-style: chr17-6406878-C-T.
Other names: c.135G>A, p.Pro45= (NM_001165966.2).
Identifiers: ClinVar variation 324767 (VCV000324767.14), dbSNP rs773821376, ClinGen allele CA8329898.

ClinVar aggregate classification (germline): Likely benign. Review status: criteria provided, multiple submitters, no conflicts (2 of 4 stars). 3 submissions from 3 submitters: Likely benign (3). Last evaluated 2025-09-15.

Conditions:
Cone-rod dystrophy 5 (CORD5). Identifiers: Orphanet 1872, MedGen C1832976, MONDO:0010969, OMIM 600977.

Allele frequency attached by ClinVar (database versions not stated): TOPMed 0.00004; gnomAD 0.00005; gnomAD exomes 0.00007 and 0.00011; ExAC 0.00017.
gnomAD v4.1: 99 of 1,611,744 alleles (0.0061%); highest among the groups gnomAD compares: Non-Finnish European, 0.0069%; no homozygotes.

Submissions (3):

Labcorp Genetics (formerly Invitae), Labcorp
Classification: Likely benign. Last evaluated: 2025-09-15. Review status: criteria provided, single submitter. Criteria: Invitae Variant Classification Sherloc (09022015). Collection method: clinical testing. Allele origin: germline.

Blueprint Genetics
Classification: Likely benign. Last evaluated: 2024-01-12. Review status: criteria provided, single submitter. Criteria: ACMG Guidelines, 2015. Collection method: clinical testing. Allele origin: germline.

Illumina Laboratory Services, Illumina
Classification: Likely benign for Cone-rod dystrophy 5. Last evaluated: 2018-01-13. Review status: criteria provided, single submitter. Criteria: ICSL Variant Classification Criteria 13 December 2019. Collection method: clinical testing. Allele origin: germline.
Comment: This variant was observed in the ICSL laboratory as part of a predisposition screen in an ostensibly healthy population. It had not been previously curated by ICSL or reported in the Human Gene Mutation Database (HGMD: prior to June 1st, 2018), and was therefore a candidate for classification through an automated scoring system. Utilizing variant allele frequency, disease prevalence and penetrance estimates, and inheritance mode, an automated score was calculated to assess if this variant is too frequent to cause the disease. Based on the score and internal cut-off values, a variant classified as likely benign is not then subjected to further curation. The score for this variant resulted in a classification of likely benign for this disease.